The following is an entry in ClinVar:

ClinVar aggregate classification (germline): Uncertain significance (1 of 4 stars; one submission).

Submission:

Women's Health and Genetics/Laboratory Corporation of America, LabCorp
Classification: Uncertain significance. Last evaluated: 2020-08-28. Review status: criteria provided, single submitter. Criteria: LabCorp Variant Classification Summary - May 2015. Collection method: clinical testing. Allele origin: germline.
Comment: Variant summary: HBB c.316-46G>A variant involves the alteration of a non-conserved intronic nucleotide that is located at a position not widely known to affect splicing. 4/4 computational tools predict no significant impact on normal splicing. However, these predictions have yet to be confirmed by functional studies. The variant was absent in 281368 control chromosomes (gnomAD). The available data on variant occurrences in the general population are insufficient to allow any conclusion about variant significance. To our knowledge, no occurrence of c.316-46G>A in individuals affected with Hemoglobinopathy and no experimental evidence demonstrating its impact on protein function have been reported. Deep intronic variants affecting this region have been reported affected individuals as causative variants (e.g. c.316-106C>G, c.316-146T>G, c.316-197C>T). No clinical diagnostic laboratories have submitted clinical-significance assessments for this variant to ClinVar after 2014. Based on the evidence outlined above, the variant was classified as uncertain significance.

NM_000518.5(HBB):c.316-46G>A

Genes: HBB (hemoglobin subunit beta; minus strand), LOC107133510 (origin of replication at HBB; plus strand), LOC110006319 (beta-globin gene 3' regulatory region; plus strand). Cytogenetic location: 11p15.4.
Variant type: single nucleotide variant.
Coding change: c.316-46G>A on transcript NM_000518.5 (MANE Select); 46 bases into the intron before coding-DNA position 316, G replaced by A.
Molecular consequence: intron variant.
Genome position (GRCh38, 1-based): chr11:5,225,772, C>T on the plus strand (G>A on the coding strand, the complement: HBB is on the minus strand). VCF-style: chr11-5225772-C-T. GRCh37 (hg19) VCF-style: chr11-5247002-C-T.
Identifiers: ClinVar variation 495996 (VCV000495996.2), dbSNP rs1554917642, ClinGen allele CA658683672.